The following is an entry in ClinVar:

NM_004969.4(IDE):c.30C>T (p.His10=)

Gene: IDE (insulin degrading enzyme; minus strand). Cytogenetic location: 10q23.33.
Variant type: single nucleotide variant.
Coding change: c.30C>T on transcript NM_004969.4 (MANE Select); coding-DNA position 30, C replaced by T.
Protein change: p.His10=; no amino-acid change (histidine 10 retained).
Molecular consequence: synonymous variant. On other transcripts: 5 prime UTR variant (1), non-coding transcript variant (1).
Genome position (GRCh38, 1-based): chr10:92,573,990, G>A on the plus strand (C>T on the coding strand, the complement: IDE is on the minus strand). VCF-style: chr10-92573990-G-A. GRCh37 (hg19) VCF-style: chr10-94333747-G-A.
Other names: c.30C>T, p.His10= (NM_001322793.2, NM_001322794.2); c.-276C>T (NM_001322795.2).
Identifiers: ClinVar variation 788067 (VCV000788067.28), dbSNP rs554481643, ClinGen allele CA5603854.

ClinVar aggregate classification (germline): Benign/Likely benign. Review status: criteria provided, multiple submitters, no conflicts (2 of 4 stars). 3 submissions from 3 submitters: Benign (2); Likely benign (1). Last evaluated 2023-06-01.

Allele frequency attached by ClinVar (database versions not stated): gnomAD 0.00058 and 0.00072; TOPMed 0.00079; gnomAD exomes 0.00108; 1000 Genomes Project 30x 0.00141; 1000 Genomes Project 0.00160; ExAC 0.00193.
gnomAD v4.1: 981 of 1,511,746 alleles (0.065%); highest among the groups gnomAD compares: Middle Eastern, 0.75%; 4 homozygotes.

Submissions (3):

CeGaT Center for Human Genetics Tuebingen
Classification: Likely benign. Last evaluated: 2023-06-01. Review status: criteria provided, single submitter. Criteria: CeGaT Center For Human Genetics Tuebingen Variant Classification Criteria Version 2. Collection method: clinical testing. Allele origin: germline. Affected: yes. Observed: 2 variant alleles.
Comment: IDE: BP4, BP7

Labcorp Genetics (formerly Invitae), Labcorp
Classification: Benign. Last evaluated: 2017-12-13. Review status: criteria provided, single submitter. Criteria: Invitae Variant Classification Sherloc (09022015). Collection method: clinical testing. Allele origin: germline.

Breakthrough Genomics
Classification: Benign. Review status: criteria provided, single submitter. Criteria: ACMG Guidelines, 2015. Collection method: not provided. Allele origin: germline. Inheritance: Unknown mechanism. Affected: yes.